The following is an entry in ClinVar:

NM_000059.4(BRCA2):c.3058T>C (p.Ser1020Pro)

Gene: BRCA2 (BRCA2 DNA repair associated; plus strand). Cytogenetic location: 13q13.1.
Variant type: single nucleotide variant.
Coding change: c.3058T>C on transcript NM_000059.4 (MANE Select); coding-DNA position 3058, T replaced by C.
Protein change: p.Ser1020Pro; replaces serine 1020 with proline.
Molecular consequence: missense variant. On other transcripts: non-coding transcript variant (1), intron variant (2).
Genome position (GRCh38, 1-based): chr13:32,337,413, T>C. VCF-style: chr13-32337413-T-C. GRCh37 (hg19) VCF-style: chr13-32911550-T-C.
Other names: c.3058T>C, p.Ser1020Pro (NM_001406719.1, NM_001406720.1, NM_001432077.1); c.1909+4026T>C (NM_001406721.1); c.424+6383T>C (NM_001406722.1); short protein forms S1020P.
Identifiers: ClinVar variation 4826881 (VCV004826881.1).

ClinVar aggregate classification (germline): Uncertain significance (1 of 4 stars; one submission).

Conditions:
Hereditary cancer-predisposing syndrome. Also called: Neoplastic Syndromes, Hereditary; Tumor predisposition; Hereditary Cancer Syndrome; Hereditary neoplastic syndrome. Identifiers: Orphanet 140162, MedGen C0027672, MeSH D009386, MONDO:0015356.

Submission:

Ambry Genetics
Classification: Uncertain significance for Hereditary cancer-predisposing syndrome. Last evaluated: 2026-03-06. Review status: criteria provided, single submitter. Criteria: Ambry Variant Classification Scheme 2023. Collection method: clinical testing. Allele origin: germline.
Comment: The p.S1020P variant (also known as c.3058T>C), located in coding exon 10 of the BRCA2 gene, results from a T to C substitution at nucleotide position 3058. The serine at codon 1020 is replaced by proline, an amino acid with similar properties. This amino acid position is highly conserved in available vertebrate species. In addition, this alteration is predicted to be deleterious by in silico analysis. Based on the available evidence, the clinical significance of this variant remains unclear.